The following is an entry in ClinVar:

NM_000285.4(PEPD):c.1309C>T (p.Arg437Cys)

Gene: PEPD (peptidase D; minus strand). Cytogenetic location: 19q13.11.
Variant type: single nucleotide variant.
Coding change: c.1309C>T on transcript NM_000285.4 (MANE Select); coding-DNA position 1309, C replaced by T.
Protein change: p.Arg437Cys; replaces arginine 437 with cysteine.
Molecular consequence: missense variant.
Genome position (GRCh38, 1-based): chr19:33,387,925, G>A on the plus strand (C>T on the coding strand, the complement: PEPD is on the minus strand). VCF-style: chr19-33387925-G-A. GRCh37 (hg19) VCF-style: chr19-33878831-G-A.
Other names: c.1186C>T, p.Arg396Cys (NM_001166056.2); c.1117C>T, p.Arg373Cys (NM_001166057.2); short protein forms R437C, R396C, R373C.
Identifiers: ClinVar variation 328790 (VCV000328790.7), dbSNP rs376372688, ClinGen allele CA9363929.
Genomic context (GRCh38, chr19:33,387,925, plus strand): 5'-AAGAATGGGGCCCGTGGGCACTCACCCCGCCAAAACCGCGAAAGCGCTGCAGGACCTCGC[G>A]GTTAAGGAAGGAGGCGCGGGCCGGGTCCGCCAGGGCCTCATCCAGGAGGTGGTCGATGAA-3'
Protein context (NP_000276.2, residues 427-447): ADPARASFLN[Arg437Cys]EVLQRFRGFG

ClinVar aggregate classification (germline): Uncertain significance. Review status: criteria provided, multiple submitters, no conflicts (2 of 4 stars). 2 submissions from 2 submitters: Uncertain significance (2). Last evaluated 2022-03-26.

Conditions:
Prolidase deficiency. Identifiers: Orphanet 742, MedGen C0268532, MONDO:0008221, OMIM 170100.

Allele frequency attached by ClinVar (database versions not stated): ESP Exome Variant Server 0.00016; ExAC 0.00024; TOPMed 0.00009; gnomAD 0.00005.
gnomAD v4.1: 92 of 1,592,608 alleles (0.0058%); highest among the groups gnomAD compares: South Asian, 0.014%; no homozygotes.

Submissions (2):

Labcorp Genetics (formerly Invitae), Labcorp
Classification: Uncertain significance. Last evaluated: 2022-03-26. Review status: criteria provided, single submitter. Criteria: Invitae Variant Classification Sherloc (09022015). Collection method: clinical testing. Allele origin: germline.
Comment: This sequence change replaces arginine, which is basic and polar, with cysteine, which is neutral and slightly polar, at codon 437 of the PEPD protein (p.Arg437Cys). This variant is present in population databases (rs376372688, gnomAD 0.02%). This variant has not been reported in the literature in individuals affected with PEPD-related conditions. ClinVar contains an entry for this variant (Variation ID: 328790). Algorithms developed to predict the effect of missense changes on protein structure and function are either unavailable or do not agree on the potential impact of this missense change (SIFT: "Deleterious"; PolyPhen-2: "Benign"; Align-GVGD: "Class C15"). In summary, the available evidence is currently insufficient to determine the role of this variant in disease. Therefore, it has been classified as a Variant of Uncertain Significance.

Illumina Laboratory Services, Illumina
Classification: Uncertain significance for Prolidase deficiency. Last evaluated: 2018-01-12. Review status: criteria provided, single submitter. Criteria: ICSL Variant Classification Criteria 13 December 2019. Collection method: clinical testing. Allele origin: germline.